The following is an entry in ClinVar:

NM_024721.5(ZFHX4):c.7880A>G (p.Asp2627Gly)

Gene: ZFHX4 (zinc finger homeobox 4; plus strand). Cytogenetic location: 8q21.13.
Variant type: single nucleotide variant.
Coding change: c.7880A>G on transcript NM_024721.5 (MANE Select); coding-DNA position 7880, A replaced by G.
Protein change: p.Asp2627Gly; replaces aspartic acid 2627 with glycine.
Molecular consequence: missense variant.
Genome position (GRCh38, 1-based): chr8:76,854,801, A>G. VCF-style: chr8-76854801-A-G. GRCh37 (hg19) VCF-style: chr8-77767037-A-G.
Other names: c.7802A>G, p.Asp2601Gly (NM_001410934.1); short protein forms D2601G, D2627G.
Identifiers: ClinVar variation 5041564 (VCV005041564.1).

ClinVar aggregate classification (germline): Uncertain significance (1 of 4 stars; one submission).

Submission:

CeGaT Center for Human Genetics Tuebingen
Classification: Uncertain significance. Last evaluated: 2026-09-01. Review status: criteria provided, single submitter. Criteria: CeGaT Center For Human Genetics Tuebingen Variant Classification Criteria Version 2. Collection method: clinical testing. Allele origin: germline. Affected: yes. Observed: 1 variant allele.
Comment: ZFHX4: PM2, PP3